The following is an entry in ClinVar:

NM_002292.4(LAMB2):c.3521A>C (p.Asp1174Ala)

Gene: LAMB2 (laminin subunit beta 2; minus strand). Cytogenetic location: 3p21.31.
Variant type: single nucleotide variant.
Coding change: c.3521A>C on transcript NM_002292.4 (MANE Select); coding-DNA position 3521, A replaced by C.
Protein change: p.Asp1174Ala; replaces aspartic acid 1174 with alanine.
Molecular consequence: missense variant.
Genome position (GRCh38, 1-based): chr3:49,124,004, T>G on the plus strand (A>C on the coding strand, the complement: LAMB2 is on the minus strand). VCF-style: chr3-49124004-T-G. GRCh37 (hg19) VCF-style: chr3-49161437-T-G.
Other names: short protein forms D1174A.
Identifiers: ClinVar variation 942769 (VCV000942769.1), dbSNP rs765996794, ClinGen allele CA2394021.

ClinVar aggregate classification (germline): Uncertain significance (1 of 4 stars; one submission).

Conditions:
Pierson syndrome. Also called: MICROCORIA-CONGENITAL NEPHROTIC SYNDROME. Identifiers: Orphanet 2670, MedGen C1836876, MONDO:0012184, OMIM 609049.
LAMB2-related infantile-onset nephrotic syndrome. Also called: Nephrotic Syndrome, type 5; NEPHROTIC SYNDROME, TYPE 5, WITHOUT OCULAR ABNORMALITIES; NEPHROTIC SYNDROME, TYPE 5, WITH OCULAR ABNORMALITIES. Identifiers: Orphanet 306507, MedGen C3280113, MONDO:0013621, OMIM 614199.

Allele frequency attached by ClinVar (database versions not stated): gnomAD exomes below 0.00001; TOPMed below 0.00001; ExAC 0.00001.
gnomAD v4.1: 2 of 1,613,502 alleles (0.00012%); highest among the groups gnomAD compares: Admixed American, 0.0017%; no homozygotes.

Submission:

Labcorp Genetics (formerly Invitae), Labcorp
Classification: Uncertain significance for Nephrotic syndrome, type 5, with or without ocular abnormalities; Pierson syndrome. Last evaluated: 2019-09-11. Review status: criteria provided, single submitter. Criteria: Invitae Variant Classification Sherloc (09022015). Collection method: clinical testing. Allele origin: germline.
Comment: This sequence change replaces aspartic acid with alanine at codon 1174 of the LAMB2 protein (p.Asp1174Ala). The aspartic acid residue is highly conserved and there is a moderate physicochemical difference between aspartic acid and alanine. This variant is present in population databases (rs765996794, ExAC 0.009%). This variant has not been reported in the literature in individuals with LAMB2-related conditions. Algorithms developed to predict the effect of missense changes on protein structure and function (SIFT, PolyPhen-2, Align-GVGD) all suggest that this variant is likely to be disruptive, but these predictions have not been confirmed by published functional studies and their clinical significance is uncertain. In summary, the available evidence is currently insufficient to determine the role of this variant in disease. Therefore, it has been classified as a Variant of Uncertain Significance.